The following is an entry in ClinVar:

NM_020693.4(DSCAML1):c.6124G>A (p.Gly2042Arg)

Gene: DSCAML1 (DS cell adhesion molecule like 1; minus strand). Cytogenetic location: 11q23.3.
Variant type: single nucleotide variant.
Coding change: c.6124G>A on transcript NM_020693.4 (MANE Select); coding-DNA position 6124, G replaced by A.
Protein change: p.Gly2042Arg; replaces glycine 2042 with arginine.
Molecular consequence: missense variant.
Genome position (GRCh38, 1-based): chr11:117,428,366, C>T on the plus strand (G>A on the coding strand, the complement: DSCAML1 is on the minus strand). VCF-style: chr11-117428366-C-T. GRCh37 (hg19) VCF-style: chr11-117299082-C-T.
Other names: short protein forms G2042R.
Identifiers: ClinVar variation 3505355 (VCV003505355.3).

ClinVar aggregate classification (germline): Uncertain significance. Review status: criteria provided, multiple submitters, no conflicts (2 of 4 stars). 2 submissions from 2 submitters: Uncertain significance (2). Last evaluated 2024-12-10.

gnomAD v4.1: 26 of 1,589,278 alleles (0.0016%); highest among the groups gnomAD compares: Admixed American, 0.0055%; no homozygotes.

Submissions (2):

Ambry Genetics
Classification: Uncertain significance. Last evaluated: 2024-12-10. Review status: criteria provided, single submitter. Criteria: Ambry Variant Classification Scheme 2023. Collection method: clinical testing. Allele origin: germline.

Labcorp Genetics (formerly Invitae), Labcorp
Classification: Uncertain significance. Last evaluated: 2024-06-24. Review status: criteria provided, single submitter. Criteria: Invitae Variant Classification Sherloc (09022015). Collection method: clinical testing. Allele origin: germline.
Comment: This sequence change replaces glycine, which is neutral and non-polar, with arginine, which is basic and polar, at codon 2102 of the DSCAML1 protein (p.Gly2102Arg). This variant is present in population databases (rs200852979, gnomAD 0.01%). This variant has not been reported in the literature in individuals affected with DSCAML1-related conditions. An algorithm developed to predict the effect of missense changes on protein structure and function (PolyPhen-2) suggests that this variant is likely to be tolerated. In summary, the available evidence is currently insufficient to determine the role of this variant in disease. Therefore, it has been classified as a Variant of Uncertain Significance.